The following is an entry in ClinVar:

NM_001170700.3(DTHD1):c.1731G>T (p.Trp577Cys)

Gene: DTHD1 (death domain containing 1; plus strand). Cytogenetic location: 4p14.
Variant type: single nucleotide variant.
Coding change: c.1731G>T on transcript NM_001170700.3 (MANE Select); coding-DNA position 1731, G replaced by T.
Protein change: p.Trp577Cys; replaces tryptophan 577 with cysteine.
Molecular consequence: missense variant. On other transcripts: non-coding transcript variant (2).
Genome position (GRCh38, 1-based): chr4:36,306,278, G>T. VCF-style: chr4-36306278-G-T. GRCh37 (hg19) VCF-style: chr4-36307900-G-T.
Other names: c.861G>T, p.Trp287Cys (NM_001136536.5); c.798G>T, p.Trp266Cys (NM_001378435.1); short protein forms W266C, W577C, W287C.
Identifiers: ClinVar variation 1372215 (VCV001372215.6), dbSNP rs968579799, ClinGen allele CA95782182.

ClinVar aggregate classification (germline): Uncertain significance (1 of 4 stars; one submission).

Allele frequency attached by ClinVar (database versions not stated): gnomAD exomes below 0.00001 and 0.00001.

Submission:

Labcorp Genetics (formerly Invitae), Labcorp
Classification: Uncertain significance. Last evaluated: 2023-10-22. Review status: criteria provided, single submitter. Criteria: Invitae Variant Classification Sherloc (09022015). Collection method: clinical testing. Allele origin: germline.
Comment: This sequence change replaces tryptophan, which is neutral and slightly polar, with cysteine, which is neutral and slightly polar, at codon 287 of the DTHD1 protein (p.Trp287Cys). This variant is present in population databases (no rsID available, gnomAD 0.004%). This variant has not been reported in the literature in individuals affected with DTHD1-related conditions. ClinVar contains an entry for this variant (Variation ID: 1372215). An algorithm developed to predict the effect of missense changes on protein structure and function (PolyPhen-2) suggests that this variant is likely to be disruptive. In summary, the available evidence is currently insufficient to determine the role of this variant in disease. Therefore, it has been classified as a Variant of Uncertain Significance.